The following is an entry in ClinVar:

ClinVar aggregate classification (germline): Uncertain significance (1 of 4 stars; one submission).

Conditions:
Wilms tumor 1 (WT1). Also called: Wilms tumor, somatic. Identifiers: Orphanet 654, MedGen CN033288, MONDO:0008679, OMIM 194070.

Submission:

Labcorp Genetics (formerly Invitae), Labcorp
Classification: Uncertain significance for Wilms tumor 1. Last evaluated: 2022-01-04. Review status: criteria provided, single submitter. Criteria: Invitae Variant Classification Sherloc (09022015). Collection method: clinical testing. Allele origin: germline.
Comment: In summary, the available evidence is currently insufficient to determine the role of this variant in disease. Therefore, it has been classified as a Variant of Uncertain Significance. Algorithms developed to predict the effect of missense changes on protein structure and function (SIFT, PolyPhen-2, Align-GVGD) all suggest that this variant is likely to be tolerated. This variant has not been reported in the literature in individuals affected with GPC3-related conditions. This variant is not present in population databases (gnomAD no frequency). This sequence change replaces proline, which is neutral and non-polar, with serine, which is neutral and polar, at codon 536 of the GPC3 protein (p.Pro536Ser).

NM_004484.4(GPC3):c.1606C>T (p.Pro536Ser)

Gene: GPC3 (glypican 3; minus strand). Cytogenetic location: Xq26.2.
Variant type: single nucleotide variant.
Coding change: c.1606C>T on transcript NM_004484.4 (MANE Select); coding-DNA position 1606, C replaced by T.
Protein change: p.Pro536Ser; replaces proline 536 with serine.
Molecular consequence: missense variant.
Genome position (GRCh38, 1-based): chrX:133,536,261, G>A on the plus strand (C>T on the coding strand, the complement: GPC3 is on the minus strand). VCF-style: chrX-133536261-G-A. GRCh37 (hg19) VCF-style: chrX-132670289-G-A.
Other names: c.1675C>T, p.Pro559Ser (NM_001164617.2); c.1558C>T, p.Pro520Ser (NM_001164618.2); c.1444C>T, p.Pro482Ser (NM_001164619.2); short protein forms P536S, P482S, P559S, P520S.
Identifiers: ClinVar variation 2060685 (VCV002060685.4), dbSNP rs1427990155, ClinGen allele CA414703152.